The following is an entry in ClinVar:

ClinVar aggregate classification (germline): Uncertain significance (1 of 4 stars; one submission).

Submission:

CeGaT Center for Human Genetics Tuebingen
Classification: Uncertain significance. Last evaluated: 2026-01-01. Review status: criteria provided, single submitter. Criteria: CeGaT Center For Human Genetics Tuebingen Variant Classification Criteria Version 2. Collection method: clinical testing. Allele origin: germline. Affected: yes. Observed: 1 variant allele.
Comment: ALPL: PM2

NM_000478.6(ALPL):c.1058T>C (p.Val353Ala)

Gene: ALPL (alkaline phosphatase, biomineralization associated; plus strand). Cytogenetic location: 1p36.12.
Variant type: single nucleotide variant.
Coding change: c.1058T>C on transcript NM_000478.6 (MANE Select); coding-DNA position 1058, T replaced by C.
Protein change: p.Val353Ala; replaces valine 353 with alanine.
Molecular consequence: missense variant.
Genome position (GRCh38, 1-based): chr1:21,575,793, T>C. VCF-style: chr1-21575793-T-C. GRCh37 (hg19) VCF-style: chr1-21902286-T-C.
Other names: c.893T>C, p.Val298Ala (NM_001127501.4); c.827T>C, p.Val276Ala (NM_001177520.3); c.1058T>C, p.Val353Ala (NM_001369803.2, NM_001369804.2, NM_001369805.2); short protein forms V276A, V298A, V353A.
Identifiers: ClinVar variation 4823230 (VCV004823230.4).